The following is an entry in ClinVar:

NM_004544.4(NDUFA10):c.*2202C>T

Gene: NDUFA10 (NADH:ubiquinone oxidoreductase subunit A10; minus strand). Cytogenetic location: 2q37.3.
Variant type: single nucleotide variant.
Coding change: c.*2202C>T on transcript NM_004544.4 (MANE Select); 2202 bases downstream of the stop codon, C replaced by T.
Molecular consequence: 3 prime UTR variant. On other transcripts: non-coding transcript variant (3).
Genome position (GRCh38, 1-based): chr2:239,958,916, G>A on the plus strand (C>T on the coding strand, the complement: NDUFA10 is on the minus strand). VCF-style: chr2-239958916-G-A. GRCh37 (hg19) VCF-style: chr2-240898333-G-A.
Other names: c.*2207C>T (NM_001322020.2).
Identifiers: ClinVar variation 895440 (VCV000895440.4), dbSNP rs77614498, ClinGen allele CA15182383.

ClinVar aggregate classification (germline): Benign/Likely benign. Review status: criteria provided, single submitter (1 of 4 stars). 2 submissions from 1 submitter: Benign (1); Likely benign (1). Last evaluated 2018-01-12.

Conditions:
Mitochondrial complex I deficiency, nuclear type 1. Also called: NADH-COENZYME Q REDUCTASE DEFICIENCY; MITOCHONDRIAL NADH DEHYDROGENASE COMPONENT OF COMPLEX I, DEFICIENCY OF. Identifiers: MedGen C6022305, MONDO:0100224, OMIM 252010.
Leigh syndrome (NULS). Also called: Leigh Disease; Subacute necrotizing encephalopathy; Necrotizing encephalopathy infantile subacute of Leigh; LEIGH SYNDROME, NUCLEAR; Leigh's syndrome; Leigh's necrotizing encephalopathy. Identifiers: Orphanet 506, MedGen C2931891, MONDO:0009723, OMIM 256000.

Allele frequency attached by ClinVar (database versions not stated): gnomAD exomes 0.00107; gnomAD 0.00120 and 0.00295; TOPMed 0.00213; 1000 Genomes Project 30x 0.01671; 1000 Genomes Project 0.01877.
gnomAD v4.1: 1,477 of 984,174 alleles (0.15%); highest among the groups gnomAD compares: East Asian, 4.1%; 35 homozygotes.

Submissions (2):

Illumina Laboratory Services, Illumina
Classification: Likely benign for Mitochondrial complex I deficiency, nuclear type 1. Last evaluated: 2018-01-12. Review status: criteria provided, single submitter. Criteria: ICSL Variant Classification Criteria 13 December 2019. Collection method: clinical testing. Allele origin: germline.
Comment: This variant was observed in the ICSL laboratory as part of a predisposition screen in an ostensibly healthy population. It had not been previously curated by ICSL or reported in the Human Gene Mutation Database (HGMD: prior to June 1st, 2018), and was therefore a candidate for classification through an automated scoring system. Utilizing variant allele frequency, disease prevalence and penetrance estimates, and inheritance mode, an automated score was calculated to assess if this variant is too frequent to cause the disease. Based on the score and internal cut-off values, a variant classified as likely benign is not then subjected to further curation. The score for this variant resulted in a classification of likely benign for this disease.

Illumina Laboratory Services, Illumina
Classification: Benign for Leigh syndrome. Last evaluated: 2018-01-12. Review status: criteria provided, single submitter. Criteria: ICSL Variant Classification Criteria 13 December 2019. Collection method: clinical testing. Allele origin: germline.
Comment: This variant was observed in the ICSL laboratory as part of a predisposition screen in an ostensibly healthy population. It had not been previously curated by ICSL or reported in the Human Gene Mutation Database (HGMD: prior to June 1st, 2018), and was therefore a candidate for classification through an automated scoring system. Utilizing variant allele frequency, disease prevalence and penetrance estimates, and inheritance mode, an automated score was calculated to assess if this variant is too frequent to cause the disease. Based on the score and internal cut-off values, a variant classified as benign is not then subjected to further curation. The score for this variant resulted in a classification of benign for this disease.